The following is an entry in ClinVar:

ClinVar aggregate classification (germline): Uncertain significance (1 of 4 stars; one submission).

Submission:

GeneDx
Classification: Uncertain significance. Last evaluated: 2022-10-26. Review status: criteria provided, single submitter. Criteria: GeneDx Variant Classification Process June 2021. Collection method: clinical testing. Allele origin: germline. Affected: yes.
Comment: Not observed at significant frequency in large population cohorts (gnomAD); In silico analysis supports that this missense variant does not alter protein structure/function; Has not been previously published as pathogenic or benign to our knowledge

NM_001378778.1(MPDZ):c.4706C>A (p.Ala1569Asp)

Gene: MPDZ (multiple PDZ domain crumbs cell polarity complex component; minus strand). Cytogenetic location: 9p23.
Variant type: single nucleotide variant.
Coding change: c.4706C>A on transcript NM_001378778.1 (MANE Select); coding-DNA position 4706, C replaced by A.
Protein change: p.Ala1569Asp; replaces alanine 1569 with aspartic acid.
Molecular consequence: missense variant.
Genome position (GRCh38, 1-based): chr9:13,125,317, G>T on the plus strand (C>A on the coding strand, the complement: MPDZ is on the minus strand). VCF-style: chr9-13125317-G-T. GRCh37 (hg19) VCF-style: chr9-13125316-G-T.
Other names: c.4607C>A, p.Ala1536Asp (NM_001261406.2, NM_001261407.2, NM_001375416.1 and 3 more transcripts); c.4706C>A, p.Ala1569Asp (NM_001330637.2, NM_003829.5); c.4805C>A, p.Ala1602Asp (NM_001375413.1); c.4496C>A, p.Ala1499Asp (NM_001375420.1, NM_001375421.1, NM_001375422.1 and 4 more transcripts); c.4298C>A, p.Ala1433Asp (NM_001375427.1); short protein forms A1433D, A1499D, A1536D, A1569D, A1602D.
Identifiers: ClinVar variation 2500513 (VCV002500513.1), dbSNP rs2488753773, ClinGen allele CA372946124.